The following is an entry in ClinVar:

ClinVar aggregate classification (germline): Uncertain significance. Review status: criteria provided, multiple submitters, no conflicts (2 of 4 stars). 2 submissions from 2 submitters: Uncertain significance (2). Last evaluated 2025-08-04.

Conditions:
Hereditary cancer-predisposing syndrome. Also called: Neoplastic Syndromes, Hereditary; Hereditary neoplastic syndrome; Tumor predisposition; Hereditary Cancer Syndrome. Identifiers: Orphanet 140162, MedGen C0027672, MeSH D009386, MONDO:0015356.
EGFR-related lung cancer (EGFR). Identifiers: MedGen CN130014.

Allele frequency attached by ClinVar (database versions not stated): gnomAD exomes below 0.00001; gnomAD 0.00001; TOPMed 0.00001.
gnomAD v4.1: 2 of 1,614,110 alleles (0.00012%); highest among the groups gnomAD compares: Non-Finnish European, 0.00017%; no homozygotes.

Submissions (2):

Ambry Genetics
Classification: Uncertain significance for Hereditary cancer-predisposing syndrome. Last evaluated: 2025-08-04. Review status: criteria provided, single submitter. Criteria: Ambry Variant Classification Scheme 2023. Collection method: clinical testing. Allele origin: germline.
Comment: The p.E709D variant (also known as c.2127A>C), located in coding exon 18 of the EGFR gene, results from an A to C substitution at nucleotide position 2127. The glutamic acid at codon 709 is replaced by aspartic acid, an amino acid with highly similar properties. This amino acid position is highly conserved in available vertebrate species. In addition, the in silico prediction for this alteration is inconclusive. Based on the available evidence, the clinical significance of this variant remains unclear.

Labcorp Genetics (formerly Invitae), Labcorp
Classification: Uncertain significance for EGFR-related lung cancer. Last evaluated: 2025-05-21. Review status: criteria provided, single submitter. Criteria: Invitae Variant Classification Sherloc (09022015). Collection method: clinical testing. Allele origin: germline.
Comment: This sequence change replaces glutamic acid, which is acidic and polar, with aspartic acid, which is acidic and polar, at codon 709 of the EGFR protein (p.Glu709Asp). This variant is not present in population databases (gnomAD no frequency). This variant has not been reported in the literature in individuals affected with EGFR-related conditions. ClinVar contains an entry for this variant (Variation ID: 1393019). Invitae Evidence Modeling of protein sequence and biophysical properties (such as structural, functional, and spatial information, amino acid conservation, physicochemical variation, residue mobility, and thermodynamic stability) indicates that this missense variant is not expected to disrupt EGFR protein function with a negative predictive value of 80%. In summary, the available evidence is currently insufficient to determine the role of this variant in disease. Therefore, it has been classified as a Variant of Uncertain Significance.

NM_005228.5(EGFR):c.2127A>C (p.Glu709Asp)

Gene: EGFR (epidermal growth factor receptor; plus strand). Cytogenetic location: 7p11.2.
Variant type: single nucleotide variant.
Coding change: c.2127A>C on transcript NM_005228.5 (MANE Select); coding-DNA position 2127, A replaced by C.
Protein change: p.Glu709Asp; replaces glutamic acid 709 with aspartic acid.
Molecular consequence: missense variant.
Genome position (GRCh38, 1-based): chr7:55,173,986, A>C. VCF-style: chr7-55173986-A-C. GRCh37 (hg19) VCF-style: chr7-55241679-A-C.
Other names: c.2127A>C, p.Glu709Asp (NM_001346898.2); c.1992A>C, p.Glu664Asp (NM_001346899.2, NM_001346897.2); c.1968A>C, p.Glu656Asp (NM_001346900.2); c.1326A>C, p.Glu442Asp (NM_001346941.2); c.2127A>C (NM_005228.3); short protein forms E442D, E709D, E664D, E656D.
Identifiers: ClinVar variation 1393019 (VCV001393019.9), dbSNP rs1786476933, ClinGen allele CA367583622.